The following is an entry in ClinVar:

ClinVar aggregate classification (germline): Likely pathogenic (1 of 4 stars; one submission).

Conditions:
Early-infantile DEE. Also called: Early infantile epileptic encephalopathy with suppression bursts; Early infantile epileptic encephalopathy; Ohtahara syndrome. Identifiers: Orphanet 1934, MedGen C0393706, MONDO:0800491.

Submission:

Labcorp Genetics (formerly Invitae), Labcorp
Classification: Likely pathogenic for Early-infantile DEE. Last evaluated: 2025-07-22. Review status: criteria provided, single submitter. Criteria: Invitae Variant Classification Sherloc (09022015). Collection method: clinical testing. Allele origin: germline.
Comment: This sequence change replaces tyrosine, which is neutral and polar, with phenylalanine, which is neutral and non-polar, at codon 426 of the SCN1A protein (p.Tyr426Phe). This variant is not present in population databases (gnomAD no frequency). This variant has not been reported in the literature in individuals affected with SCN1A-related conditions. Invitae Evidence Modeling of protein sequence and biophysical properties (such as structural, functional, and spatial information, amino acid conservation, physicochemical variation, residue mobility, and thermodynamic stability) indicates that this missense variant is expected to disrupt SCN1A protein function with a positive predictive value of 95%. This variant disrupts the p.Tyr426 amino acid residue in SCN1A. Other variant(s) that disrupt this residue have been determined to be pathogenic (PMID: 8930999, 23195492, 30577886, 31864146). This suggests that this residue is clinically significant, and that variants that disrupt this residue are likely to be disease-causing. In summary, the currently available evidence indicates that the variant is pathogenic, but additional data are needed to prove that conclusively. Therefore, this variant has been classified as Likely Pathogenic.

Literature cited by the submitters: PubMed 8930999; PubMed 23195492; PubMed 30577886; PubMed 31864146.

NM_001165963.4(SCN1A):c.1277A>T (p.Tyr426Phe)

Gene: SCN1A (sodium voltage-gated channel alpha subunit 1; minus strand). Cytogenetic location: 2q24.3.
Variant type: single nucleotide variant.
Coding change: c.1277A>T on transcript NM_001165963.4 (MANE Select); coding-DNA position 1277, A replaced by T.
Protein change: p.Tyr426Phe; replaces tyrosine 426 with phenylalanine.
Molecular consequence: missense variant. On other transcripts: 5 prime UTR variant (1), non-coding transcript variant (1).
Genome position (GRCh38, 1-based): chr2:166,046,870, T>A on the plus strand (A>T on the coding strand, the complement: SCN1A is on the minus strand). VCF-style: chr2-166046870-T-A. GRCh37 (hg19) VCF-style: chr2-166903380-T-A.
Other names: c.1277A>T, p.Tyr426Phe (NM_001165964.3, NM_001202435.3, NM_001353948.2 and 10 more transcripts); c.-1149A>T (NM_001353961.2); short protein forms Y426F.
Identifiers: ClinVar variation 4800288 (VCV004800288.1).